The following is an entry in ClinVar:

ClinVar aggregate classification (germline): Uncertain significance. Review status: criteria provided, multiple submitters, no conflicts (2 of 4 stars). 2 submissions from 2 submitters: Uncertain significance (2). Last evaluated 2026-06-06.

Conditions:
Inborn genetic diseases. Identifiers: MedGen C0950123, MeSH D030342.

Allele frequency attached by ClinVar (database versions not stated): gnomAD exomes below 0.00001.
gnomAD v4.1: 5 of 1,612,584 alleles (0.00031%); highest among the groups gnomAD compares: South Asian, 0.0011%; no homozygotes.

Submissions (2):

Ambry Genetics
Classification: Uncertain significance for Inborn genetic diseases. Last evaluated: 2026-06-06. Review status: criteria provided, single submitter. Criteria: Ambry Variant Classification Scheme 2023. Collection method: clinical testing. Allele origin: germline.
Comment: The p.S875G variant (also known as c.2623A>G), located in coding exon 21 of the KDM1A gene, results from an A to G substitution at nucleotide position 2623. The serine at codon 875 is replaced by glycine, an amino acid with similar properties. This amino acid position is conserved. In addition, this alteration is predicted to be tolerated by in silico analysis. Based on the available evidence, the clinical significance of this variant remains unclear.

Labcorp Genetics (formerly Invitae), Labcorp
Classification: Uncertain significance. Last evaluated: 2023-09-30. Review status: criteria provided, single submitter. Criteria: Invitae Variant Classification Sherloc (09022015). Collection method: clinical testing. Allele origin: germline.
Comment: In summary, the available evidence is currently insufficient to determine the role of this variant in disease. Therefore, it has been classified as a Variant of Uncertain Significance. An algorithm developed to predict the effect of missense changes on protein structure and function (PolyPhen-2) suggests that this variant is likely to be tolerated. This variant has not been reported in the literature in individuals affected with KDM1A-related conditions. This variant is present in population databases (no rsID available, gnomAD 0.003%). This sequence change replaces serine, which is neutral and polar, with glycine, which is neutral and non-polar, at codon 875 of the KDM1A protein (p.Ser875Gly).

NM_001009999.3(KDM1A):c.2623A>G (p.Ser875Gly)

Gene: KDM1A (lysine demethylase 1A; plus strand). Cytogenetic location: 1p36.12.
Variant type: single nucleotide variant.
Coding change: c.2623A>G on transcript NM_001009999.3 (MANE Select); coding-DNA position 2623, A replaced by G.
Protein change: p.Ser875Gly; replaces serine 875 with glycine.
Molecular consequence: missense variant. On other transcripts: 3 prime UTR variant (1).
Genome position (GRCh38, 1-based): chr1:23,083,356, A>G. VCF-style: chr1-23083356-A-G. GRCh37 (hg19) VCF-style: chr1-23409849-A-G.
Other names: c.2569A>G, p.Ser857Gly (NM_001363654.2); c.2629A>G, p.Ser877Gly (NM_001410762.1); c.*871A>G (NM_001410763.1); c.2551A>G, p.Ser851Gly (NM_015013.4); c.2623A>G (NM_001009999.2); short protein forms S851G, S857G, S875G, S877G.
Identifiers: ClinVar variation 2724355 (VCV002724355.4), dbSNP rs1400572301, ClinGen allele CA338973069.